The following is an entry in ClinVar:

NM_000380.4(XPA):c.*203C>G

Gene: XPA (XPA, DNA damage recognition and repair factor; minus strand). Cytogenetic location: 9q22.33.
Variant type: single nucleotide variant.
Coding change: c.*203C>G on transcript NM_000380.4 (MANE Select); 203 bases downstream of the stop codon, C replaced by G.
Molecular consequence: 3 prime UTR variant. On other transcripts: non-coding transcript variant (5).
Genome position (GRCh38, 1-based): chr9:97,675,236, G>C on the plus strand (C>G on the coding strand, the complement: XPA is on the minus strand). VCF-style: chr9-97675236-G-C. GRCh37 (hg19) VCF-style: chr9-100437518-G-C.
Other names: c.*203C>G (NM_001354975.2).
Identifiers: ClinVar variation 364086 (VCV000364086.8), dbSNP rs3176751, ClinGen allele CA5148636.

ClinVar aggregate classification (germline): Benign. Review status: criteria provided, multiple submitters, no conflicts (2 of 4 stars). 3 submissions from 3 submitters: Benign (3). Last evaluated 2019-02-28.

Conditions:
Xeroderma pigmentosum group A (XPA). Also called: Xeroderma pigmentosum, complementation group A; XP, group A; XPA-Related Xeroderma Pigmentosum. Identifiers: Orphanet 910, MedGen C0268135, MONDO:0010210, OMIM 278700.

Allele frequency attached by ClinVar (database versions not stated): gnomAD 0.12050 and 0.12539; TOPMed 0.13874; ExAC 0.03700; gnomAD exomes 0.05970; 1000 Genomes Project 0.17192; 1000 Genomes Project 30x 0.17786.
gnomAD v4.1: 34,154 of 680,894 alleles (5%); highest among the groups gnomAD compares: African/African-American, 37%; 4,774 homozygotes.

Submissions (3):

GeneDx
Classification: Benign. Last evaluated: 2019-02-28. Review status: criteria provided, single submitter. Criteria: GeneDx Variant Classification Process June 2021. Collection method: clinical testing. Allele origin: germline. Affected: yes.

Illumina Laboratory Services, Illumina
Classification: Benign for Xeroderma pigmentosum group A. Last evaluated: 2018-01-13. Review status: criteria provided, single submitter. Criteria: ICSL Variant Classification Criteria 13 December 2019. Collection method: clinical testing. Allele origin: germline.
Comment: This variant was observed in the ICSL laboratory as part of a predisposition screen in an ostensibly healthy population. It had not been previously curated by ICSL or reported in the Human Gene Mutation Database (HGMD: prior to June 1st, 2018), and was therefore a candidate for classification through an automated scoring system. Utilizing variant allele frequency, disease prevalence and penetrance estimates, and inheritance mode, an automated score was calculated to assess if this variant is too frequent to cause the disease. Based on the score and internal cut-off values, a variant classified as benign is not then subjected to further curation. The score for this variant resulted in a classification of benign for this disease.

Breakthrough Genomics
Classification: Benign. Review status: criteria provided, single submitter. Criteria: ACMG Guidelines, 2015. Collection method: not provided. Allele origin: germline. Inheritance: Autosomal recessive inheritance. Affected: yes.